The following is an entry in ClinVar:

ClinVar aggregate classification (germline): Uncertain significance (0 of 4 stars; one submission).

Conditions:
ASPM-related disorder. Also called: ASPM-related condition.

Submission:

PreventionGenetics, part of Exact Sciences
Classification: Uncertain significance for ASPM-related condition. Last evaluated: 2024-01-21. Review status: no assertion criteria provided. Collection method: clinical testing. Allele origin: germline.
Comment: The ASPM c.247C>G variant is predicted to result in the amino acid substitution p.Pro83Ala. To our knowledge, this variant has not been reported in the literature or in a large population database, indicating this variant is rare. At this time, the clinical significance of this variant is uncertain due to the absence of conclusive functional and genetic evidence.

NM_018136.5(ASPM):c.247C>G (p.Pro83Ala)

Genes: ASPM (assembly factor for spindle microtubules; minus strand), LOC129932155 (ATAC-STARR-seq lymphoblastoid silent region 1659; plus strand). Cytogenetic location: 1q31.3.
Variant type: single nucleotide variant.
Coding change: c.247C>G on transcript NM_018136.5 (MANE Select); coding-DNA position 247, C replaced by G.
Protein change: p.Pro83Ala; replaces proline 83 with alanine.
Molecular consequence: missense variant.
Genome position (GRCh38, 1-based): chr1:197,146,191, G>C on the plus strand (C>G on the coding strand, the complement: ASPM is on the minus strand). VCF-style: chr1-197146191-G-C. GRCh37 (hg19) VCF-style: chr1-197115321-G-C.
Other names: c.247C>G, p.Pro83Ala (NM_001206846.2); short protein forms P83A.
Identifiers: ClinVar variation 3028965 (VCV003028965.2), dbSNP rs759365279, ClinGen allele CA35863204.